The following is an entry in ClinVar:

ClinVar aggregate classification (germline): Pathogenic (1 of 4 stars; one submission).

Conditions:
Myasthenic syndrome, congenital, 22 (CMS22). Also called: PREPL DEFICIENCY. Identifiers: MedGen C4479088, MONDO:0044299, OMIM 616224.

Submission:

Labcorp Genetics (formerly Invitae), Labcorp
Classification: Pathogenic for Myasthenic syndrome, congenital, 22. Last evaluated: 2022-04-18. Review status: criteria provided, single submitter. Criteria: Invitae Variant Classification Sherloc (09022015). Collection method: clinical testing. Allele origin: germline.
Comment: For these reasons, this variant has been classified as Pathogenic. This variant has not been reported in the literature in individuals affected with PREPL-related conditions. This variant is not present in population databases (gnomAD no frequency). This sequence change creates a premature translational stop signal (p.Glu60Valfs*13) in the PREPL gene. It is expected to result in an absent or disrupted protein product. Loss-of-function variants in PREPL are known to be pathogenic (PMID: 24610330, 28726805, 29913539).

Literature cited by the submitters: PubMed 24610330; PubMed 28726805; PubMed 29913539.

NM_001171613.2(PREPL):c.-49+1843_-49+1844del

Gene: PREPL (prolyl endopeptidase like; minus strand). Cytogenetic location: 2p21.
Variant type: Microsatellite.
Coding change: c.-49+1843_-49+1844del on transcript NM_001171613.2 (MANE Select); bases 1843 to 1844 of the intron after 49 bases upstream of the start codon, 2 bases deleted (AG; older notation c.-49+1843_-49+1844delAG).
Molecular consequence: intron variant. On other transcripts: frameshift variant (7).
Genome position (GRCh38, 1-based): chr2:44,359,536-44,359,537, CT deleted on the plus strand (AG on the coding strand, the reverse complement: PREPL is on the minus strand); deleting any 2 consecutive bases within chr2:44,359,536-44,359,539 gives the same sequence; the c. name uses the placement nearest the transcript's 3' end. VCF-style (leftmost placement, unchanged base first): chr2-44359535-ACT-A. GRCh37 (hg19) VCF-style: chr2-44586674-ACT-A.
Other names: c.179_180del, p.Glu60fs (NM_001042385.2, NM_001042386.2, NM_001171603.1 and 4 more transcripts); c.-49+1987_-49+1988del (NM_001171617.1); c.-49+1880_-49+1881del (NM_001374277.1); short protein forms E60fs.
Identifiers: ClinVar variation 1950915 (VCV001950915.5), dbSNP rs2466493117, ClinGen allele CA2580611624.